The following is an entry in ClinVar:

NM_024678.6(NARS2):c.1027-1444C>G

Gene: NARS2 (asparaginyl-tRNA synthetase 2, mitochondrial; minus strand). Cytogenetic location: 11q14.1.
Variant type: single nucleotide variant.
Coding change: c.1027-1444C>G on transcript NM_024678.6 (MANE Select); 1444 bases into the intron before coding-DNA position 1027, C replaced by G.
Molecular consequence: intron variant. On other transcripts: synonymous variant (2).
Genome position (GRCh38, 1-based): chr11:78,467,457, G>C on the plus strand (C>G on the coding strand, the complement: NARS2 is on the minus strand). VCF-style: chr11-78467457-G-C. GRCh37 (hg19) VCF-style: chr11-78178503-G-C.
Other names: c.1104C>G, p.Leu368= (NM_001425299.1); c.423C>G, p.Leu141= (NM_001425310.1); c.346-1444C>G (NM_001243251.2).
Identifiers: ClinVar variation 2642202 (VCV002642202.24), dbSNP rs916522551, ClinGen allele CA225100392.

ClinVar aggregate classification (germline): Likely benign (1 of 4 stars; one submission).

Allele frequency attached by ClinVar (database versions not stated): TOPMed 0.00003.

Submission:

CeGaT Center for Human Genetics Tuebingen
Classification: Likely benign. Last evaluated: 2023-09-01. Review status: criteria provided, single submitter. Criteria: CeGaT Center For Human Genetics Tuebingen Variant Classification Criteria Version 2. Collection method: clinical testing. Allele origin: germline. Affected: yes. Observed: 1 variant allele.
Comment: NARS2: PM2:Supporting, BP4, BP7